The following is an entry in ClinVar:

ClinVar aggregate classification (germline): Uncertain significance. Review status: criteria provided, multiple submitters, no conflicts (2 of 4 stars). 3 submissions from 3 submitters: Uncertain significance (3). Last evaluated 2025-03-26.

Conditions:
History of neurodevelopmental disorder. Identifiers: MedGen C2711754.
Joubert syndrome 10 (JBTS10). Identifiers: Orphanet 2754, MedGen C2749019, MONDO:0010431, OMIM 300804.
Orofaciodigital syndrome I (OFD1). Also called: Papillon-Leage and Psaume Syndrome; Oral-Facial-Digital Syndrome Type I; OFDS I. Identifiers: Orphanet 2750, MedGen C1510460, MONDO:0010702, OMIM 311200.
Retinitis pigmentosa 23 (RP23). Identifiers: Orphanet 791, MedGen C1419610, MONDO:0010320, OMIM 300424.
Simpson-Golabi-Behmel syndrome type 2. Identifiers: Orphanet 79022, MedGen C1846175, MONDO:0010265, OMIM 300209.
Joubert syndrome. Also called: Familial aplasia of the vermis; CEREBELLOPARENCHYMAL DISORDER IV; JOUBERT-BOLTSHAUSER SYNDROME. Identifiers: Orphanet 475, MedGen C5979921, MONDO:0018772.

Allele frequency attached by ClinVar (database versions not stated): gnomAD exomes 0.00002; ExAC 0.00003.
gnomAD v4.1: 8 of 1,209,654 alleles (0.00066%); highest among the groups gnomAD compares: East Asian, 0.003%; no homozygotes.

Submissions (3):

Labcorp Genetics (formerly Invitae), Labcorp
Classification: Uncertain significance for Orofaciodigital syndrome I; Joubert syndrome. Last evaluated: 2025-03-26. Review status: criteria provided, single submitter. Criteria: Invitae Variant Classification Sherloc (09022015). Collection method: clinical testing. Allele origin: germline.
Comment: This sequence change replaces arginine, which is basic and polar, with tryptophan, which is neutral and slightly polar, at codon 212 of the OFD1 protein (p.Arg212Trp). This variant is present in population databases (rs776834508, gnomAD 0.004%). This missense change has been observed in individual(s) with X-linked recessive retinitis pigmentosa (internal data). ClinVar contains an entry for this variant (Variation ID: 590230). Invitae Evidence Modeling of protein sequence and biophysical properties (such as structural, functional, and spatial information, amino acid conservation, physicochemical variation, residue mobility, and thermodynamic stability) indicates that this missense variant is not expected to disrupt OFD1 protein function with a negative predictive value of 80%. In summary, the available evidence is currently insufficient to determine the role of this variant in disease. Therefore, it has been classified as a Variant of Uncertain Significance.

Fulgent Genetics
Classification: Uncertain significance for Simpson-Golabi-Behmel syndrome type 2; Retinitis pigmentosa 23; Joubert syndrome 10; Orofaciodigital syndrome I. Last evaluated: 2021-10-25. Review status: criteria provided, single submitter. Criteria: ACMG Guidelines, 2015. Collection method: clinical testing. Allele origin: unknown.

Ambry Genetics
Classification: Uncertain significance for History of neurodevelopmental disorder. Last evaluated: 2013-05-24. Review status: criteria provided, single submitter. Criteria: Ambry Autosomal Dominant and X-Linked criteria (10/2015). Collection method: clinical testing. Allele origin: germline. Observed: 1 variant allele.
Comment: There is insufficient or conflicting evidence for classification of this alteration.

NM_003611.3(OFD1):c.634C>T (p.Arg212Trp)

Gene: OFD1 (OFD1 centriole and centriolar satellite protein; plus strand). Cytogenetic location: Xp22.2.
Variant type: single nucleotide variant.
Coding change: c.634C>T on transcript NM_003611.3 (MANE Select); coding-DNA position 634, C replaced by T.
Protein change: p.Arg212Trp; replaces arginine 212 with tryptophan.
Molecular consequence: missense variant.
Genome position (GRCh38, 1-based): chrX:13,746,435, C>T. VCF-style: chrX-13746435-C-T. GRCh37 (hg19) VCF-style: chrX-13764554-C-T.
Other names: c.634C>T, p.Arg212Trp (NM_001330209.2); c.214C>T, p.Arg72Trp (NM_001330210.2); short protein forms R212W, R72W.
Identifiers: ClinVar variation 590230 (VCV000590230.9), dbSNP rs776834508, ClinGen allele CA10351652.